The following is an entry in ClinVar:

ClinVar aggregate classification (germline): Conflicting classifications of pathogenicity. Review status: criteria provided, conflicting classifications (1 of 4 stars). 2 submissions from 2 submitters: Uncertain significance (1); Likely benign (1). Last evaluated 2024-02-18.

Conditions:
MAP2K1-related disorder. Also called: MAP2K1-related condition; MAP2K1-related disorders.
RASopathy. Also called: Noonan spectrum disorder; rasopathies. Identifiers: Orphanet 536391, MedGen C5555857, MONDO:0021060.

Submissions (2):

Labcorp Genetics (formerly Invitae), Labcorp
Classification: Likely benign for RASopathy. Last evaluated: 2024-02-18. Review status: criteria provided, single submitter. Criteria: Invitae Variant Classification Sherloc (09022015). Collection method: clinical testing. Allele origin: germline.

PreventionGenetics, part of Exact Sciences
Classification: Uncertain significance for MAP2K1-related condition. Last evaluated: 2022-11-10. Review status: criteria provided, single submitter. Criteria: ACMG Guidelines, 2015. Collection method: clinical testing. Allele origin: germline.
Comment: The MAP2K1 c.672G>A variant is not predicted to result in an amino acid change (p.=). This variant is predicted to create a cryptic splice acceptor site (Alamut Visual Plus v1.6.1). To our knowledge, this variant has not been reported in the literature or in a large population database, indicating this variant is rare. At this time, the clinical significance of this variant is uncertain due to the absence of conclusive functional and genetic evidence.

NM_002755.4(MAP2K1):c.672G>A (p.Val224=)

Gene: MAP2K1 (mitogen-activated protein kinase kinase 1; plus strand). Cytogenetic location: 15q22.31.
Variant type: single nucleotide variant.
Coding change: c.672G>A on transcript NM_002755.4 (MANE Select); coding-DNA position 672, G replaced by A.
Protein change: p.Val224=; no amino-acid change (valine 224 retained).
Molecular consequence: synonymous variant.
Genome position (GRCh38, 1-based): chr15:66,481,858, G>A. VCF-style: chr15-66481858-G-A. GRCh37 (hg19) VCF-style: chr15-66774196-G-A.
Other names: c.528G>A, p.Val176= (NM_001411065.1).
Identifiers: ClinVar variation 2635574 (VCV002635574.3), dbSNP rs2140668239, ClinGen allele CA490858437.